The following is an entry in ClinVar:

NM_000465.4(BARD1):c.1109G>A (p.Arg370His)

Gene: BARD1 (BRCA1 associated RING domain 1; minus strand). Cytogenetic location: 2q35.
Variant type: single nucleotide variant.
Coding change: c.1109G>A on transcript NM_000465.4 (MANE Select); coding-DNA position 1109, G replaced by A.
Protein change: p.Arg370His; replaces arginine 370 with histidine.
Molecular consequence: missense variant. On other transcripts: non-coding transcript variant (2), intron variant (3).
Genome position (GRCh38, 1-based): chr2:214,780,765, C>T on the plus strand (G>A on the coding strand, the complement: BARD1 is on the minus strand). VCF-style: chr2-214780765-C-T. GRCh37 (hg19) VCF-style: chr2-215645489-C-T.
Other names: p.R370H:CGT>CAT; c.1052G>A, p.Arg351His (NM_001282543.2); c.159-28210G>A (NM_001282548.2); c.215+16296G>A (NM_001282545.2); c.364+11532G>A (NM_001282549.2); short protein forms R370H, R351H.
Identifiers: ClinVar variation 182044 (VCV000182044.23), dbSNP rs730881416, ClinGen allele CA298460.

ClinVar aggregate classification (germline): Conflicting classifications of pathogenicity. Review status: criteria provided, conflicting classifications (1 of 4 stars). 5 submissions from 5 submitters: Uncertain significance (3); Likely benign (2). Last evaluated 2025-09-10.

Conditions:
Hereditary cancer-predisposing syndrome. Also called: Tumor predisposition; Hereditary Cancer Syndrome; Hereditary neoplastic syndrome; Neoplastic Syndromes, Hereditary. Identifiers: Orphanet 140162, MedGen C0027672, MeSH D009386, MONDO:0015356.
Familial cancer of breast. Also called: BREAST CANCER, FAMILIAL; Hereditary breast cancer; hereditary breast carcinoma. Identifiers: Orphanet 227535, MedGen C0346153, MONDO:0016419, OMIM 114480. Disease mechanism: loss of function.

Allele frequency attached by ClinVar (database versions not stated): ExAC 0.00001; gnomAD 0.00001; gnomAD exomes 0.00001; TOPMed 0.00002.
gnomAD v4.1: 31 of 1,613,914 alleles (0.0019%); highest among the groups gnomAD compares: Non-Finnish European, 0.0025%; no homozygotes.

Submissions (5):

Labcorp Genetics (formerly Invitae), Labcorp
Classification: Uncertain significance for Familial cancer of breast. Last evaluated: 2025-09-10. Review status: criteria provided, single submitter. Criteria: Invitae Variant Classification Sherloc (09022015). Collection method: clinical testing. Allele origin: germline.
Comment: This sequence change replaces arginine, which is basic and polar, with histidine, which is basic and polar, at codon 370 of the BARD1 protein (p.Arg370His). This variant is present in population databases (rs730881416, gnomAD 0.002%). This variant has not been reported in the literature in individuals affected with BARD1-related conditions. ClinVar contains an entry for this variant (Variation ID: 182044). An algorithm developed to predict the effect of missense changes on protein structure and function (PolyPhen-2) suggests that this variant is likely to be tolerated. In summary, the available evidence is currently insufficient to determine the role of this variant in disease. Therefore, it has been classified as a Variant of Uncertain Significance.

Color Diagnostics, LLC DBA Color Health
Classification: Likely benign for Hereditary cancer-predisposing syndrome. Last evaluated: 2025-08-18. Review status: criteria provided, single submitter. Criteria: ACMG Guidelines, 2015. Collection method: clinical testing. Allele origin: germline.

Ambry Genetics
Classification: Likely benign for Hereditary cancer-predisposing syndrome. Last evaluated: 2024-02-26. Review status: criteria provided, single submitter. Criteria: Ambry Variant Classification Scheme 2023. Collection method: clinical testing. Allele origin: germline.

GeneDx
Classification: Uncertain significance. Last evaluated: 2024-01-21. Review status: criteria provided, single submitter. Criteria: GeneDx Variant Classification Process June 2021. Collection method: clinical testing. Allele origin: germline. Affected: yes.
Comment: Not observed at significant frequency in large population cohorts (gnomAD); In silico analysis supports that this missense variant does not alter protein structure/function; Has not been previously published as pathogenic or benign to our knowledge

Mendelics
Classification: Uncertain significance for Familial cancer of breast. Last evaluated: 2018-07-02. Review status: criteria provided, single submitter. Criteria: Mendelics Assertion Criteria 2017. Collection method: clinical testing. Allele origin: unknown.